The following is an entry in ClinVar:

NM_000083.3(CLCN1):c.2839G>A (p.Val947Ile)

Gene: CLCN1 (chloride voltage-gated channel 1; plus strand). Cytogenetic location: 7q34.
Variant type: single nucleotide variant.
Coding change: c.2839G>A on transcript NM_000083.3 (MANE Select); coding-DNA position 2839, G replaced by A.
Protein change: p.Val947Ile; replaces valine 947 with isoleucine.
Molecular consequence: missense variant. On other transcripts: non-coding transcript variant (1).
Genome position (GRCh38, 1-based): chr7:143,351,837, G>A. VCF-style: chr7-143351837-G-A. GRCh37 (hg19) VCF-style: chr7-143048930-G-A.
Other names: short protein forms V947I.
Identifiers: ClinVar variation 3748297 (VCV003748297.2).

ClinVar aggregate classification (germline): Uncertain significance (1 of 4 stars; one submission).

Conditions:
Congenital myotonia, autosomal dominant form (THD). Also called: THOMSEN DISEASE; Myotonia congenita autosomal dominant. Identifiers: Orphanet 614, MedGen C2936781, MONDO:0008055, OMIM 160800.
Congenital myotonia, autosomal recessive form. Also called: Becker Generalized Myotonia; myotonia congenita, autosomal recessive; BECKER DISEASE. Identifiers: Orphanet 614, MedGen C0751360, MONDO:0009715, OMIM 255700.

Submission:

Labcorp Genetics (formerly Invitae), Labcorp
Classification: Uncertain significance for Congenital myotonia, autosomal recessive form; Congenital myotonia, autosomal dominant form. Last evaluated: 2025-01-29. Review status: criteria provided, single submitter. Criteria: Invitae Variant Classification Sherloc (09022015). Collection method: clinical testing. Allele origin: germline.
Comment: This sequence change replaces valine, which is neutral and non-polar, with isoleucine, which is neutral and non-polar, at codon 947 of the CLCN1 protein (p.Val947Ile). This variant is not present in population databases (gnomAD no frequency). This variant has not been reported in the literature in individuals affected with CLCN1-related conditions. Invitae Evidence Modeling of protein sequence and biophysical properties (such as structural, functional, and spatial information, amino acid conservation, physicochemical variation, residue mobility, and thermodynamic stability) indicates that this missense variant is not expected to disrupt CLCN1 protein function with a negative predictive value of 95%. In summary, the available evidence is currently insufficient to determine the role of this variant in disease. Therefore, it has been classified as a Variant of Uncertain Significance.